The following is an entry in ClinVar:

NM_015932.6(POMP):c.187A>T (p.Asn63Tyr)

Gene: POMP (proteasome maturation protein; plus strand). Cytogenetic location: 13q12.3.
Variant type: single nucleotide variant.
Coding change: c.187A>T on transcript NM_015932.6 (MANE Select); coding-DNA position 187, A replaced by T.
Protein change: p.Asn63Tyr; replaces asparagine 63 with tyrosine.
Molecular consequence: missense variant.
Genome position (GRCh38, 1-based): chr13:28,668,497, A>T. VCF-style: chr13-28668497-A-T. GRCh37 (hg19) VCF-style: chr13-29242634-A-T.
Other names: short protein forms N63Y.
Identifiers: ClinVar variation 1719180 (VCV001719180.5), dbSNP rs1208593101, ClinGen allele CA387803303.
Genomic context (GRCh38, chr13:28,668,497, plus strand): 5'-TGAGTGTAATGTTTAAAATTACATTGTCTTTTGTAGTTCCAGCTCAACCAAGATAAAATG[A>T]ATTTTTCCACACTGAGAAACATTCAGGGTCTATTTGCTCCGCTAAAATTACAGATGGAAT-3'
Protein context (NP_057016.1, residues 53-73): KNFQLNQDKM[Asn63Tyr]FSTLRNIQGL

ClinVar aggregate classification (germline): Uncertain significance (1 of 4 stars; one submission).

gnomAD v4.1: 2 of 1,611,098 alleles (0.00012%); highest among the groups gnomAD compares: South Asian, 0.0022%; no homozygotes.

Submission:

Labcorp Genetics (formerly Invitae), Labcorp
Classification: Uncertain significance. Last evaluated: 2022-07-19. Review status: criteria provided, single submitter. Criteria: Invitae Variant Classification Sherloc (09022015). Collection method: clinical testing. Allele origin: germline.
Comment: This variant has not been reported in the literature in individuals affected with POMP-related conditions. In summary, the available evidence is currently insufficient to determine the role of this variant in disease. Therefore, it has been classified as a Variant of Uncertain Significance. Algorithms developed to predict the effect of missense changes on protein structure and function are either unavailable or do not agree on the potential impact of this missense change (SIFT: "Deleterious"; PolyPhen-2: "Possibly Damaging"; Align-GVGD: "Class C15"). This variant is present in population databases (no rsID available, gnomAD 0.003%). This sequence change replaces asparagine, which is neutral and polar, with tyrosine, which is neutral and polar, at codon 63 of the POMP protein (p.Asn63Tyr).